The following is an entry in ClinVar:

NM_001009944.3(PKD1):c.8973C>A (p.Tyr2991Ter)

Gene: PKD1 (polycystin 1, transient receptor potential channel interacting; minus strand). Cytogenetic location: 16p13.3.
Variant type: single nucleotide variant.
Coding change: c.8973C>A on transcript NM_001009944.3 (MANE Select); coding-DNA position 8973, C replaced by A.
Protein change: p.Tyr2991Ter; replaces tyrosine 2991 with a stop codon.
Molecular consequence: nonsense.
Genome position (GRCh38, 1-based): chr16:2,102,609, G>T on the plus strand (C>A on the coding strand, the complement: PKD1 is on the minus strand). VCF-style: chr16-2102609-G-T. GRCh37 (hg19) VCF-style: chr16-2152610-G-T.
Other names: c.8973C>A, p.Tyr2991Ter (NM_000296.4); short protein forms Y2991*.
Identifiers: ClinVar variation 636810 (VCV000636810.5), dbSNP rs1596522636, ClinGen allele CA394361121.

ClinVar aggregate classification (germline): Pathogenic. Review status: criteria provided, multiple submitters, no conflicts (2 of 4 stars). 4 submissions from 4 submitters: Pathogenic (4). Last evaluated 2026-01-26.

Conditions:
PKD1-related disorder. Also called: PKD1-related condition.
Polycystic kidney disease, adult type (PKD1). Also called: POLYCYSTIC KIDNEY DISEASE, ADULT, TYPE I; Polycystic Kidney, Autosomal Dominant; Polycystic Kidney Disease 1, Autosomal Dominant; Polycystic kidney disease 1; Polycystic kidney disease 1, severe; POLYCYSTIC KIDNEY DISEASE 1 WITH OR WITHOUT POLYCYSTIC LIVER DISEASE. Identifiers: MedGen C3149841, MONDO:0008263, OMIM 173900.

Submissions (4):

Medical and Scientific Branch, Hong Kong Genome Institute
Classification: Pathogenic for Polycystic kidney disease, adult type. Last evaluated: 2026-01-26. Review status: criteria provided, single submitter. Criteria: ACMG Guidelines, 2015. Collection method: clinical testing. Allele origin: unknown. Affected: yes.

GeneDx
Classification: Pathogenic. Last evaluated: 2024-11-18. Review status: criteria provided, single submitter. Criteria: GeneDx Variant Classification Process June 2021. Collection method: clinical testing. Allele origin: germline. Affected: yes.
Comment: Nonsense variant predicted to result in protein truncation or nonsense mediated decay in a gene for which loss of function is a known mechanism of disease; Not observed at significant frequency in large population cohorts (gnomAD); This variant is associated with the following publications: (PMID: 23300259, 36938073)

Fulgent Genetics
Classification: Pathogenic for Polycystic kidney disease, adult type. Last evaluated: 2021-08-03. Review status: criteria provided, single submitter. Criteria: ACMG Guidelines, 2015. Collection method: clinical testing. Allele origin: unknown.

Blueprint Genetics
Classification: Pathogenic for PKD1-related disorders. Last evaluated: 2021-07-15. Review status: criteria provided, single submitter. Criteria: ACMG Guidelines, 2015. Collection method: clinical testing. Allele origin: germline. Affected: yes. Observed: 2 variant alleles.